The following is an entry in ClinVar:

NM_000540.3(RYR1):c.9633C>A (p.Asn3211Lys)

Gene: RYR1 (ryanodine receptor 1; plus strand). Cytogenetic location: 19q13.2.
Variant type: single nucleotide variant.
Coding change: c.9633C>A on transcript NM_000540.3 (MANE Select); coding-DNA position 9633, C replaced by A.
Protein change: p.Asn3211Lys; replaces asparagine 3211 with lysine.
Molecular consequence: missense variant.
Genome position (GRCh38, 1-based): chr19:38,516,165, C>A. VCF-style: chr19-38516165-C-A. GRCh37 (hg19) VCF-style: chr19-39006805-C-A.
Other names: c.9633C>A, p.Asn3211Lys (NM_001042723.2); short protein forms N3211K.
Identifiers: ClinVar variation 617544 (VCV000617544.3), dbSNP rs978984063, ClinGen allele CA405690443.

ClinVar aggregate classification (germline): Conflicting classifications of pathogenicity. Review status: criteria provided, conflicting classifications (1 of 4 stars). 2 submissions from 2 submitters: Likely pathogenic (1); Uncertain significance (1). Last evaluated 2025-07-03.

Conditions:
Malignant hyperthermia, susceptibility to, 1 (MHS1). Also called: Anesthesia related hyperthermia; Malignant hyperpyrexia; Fulminating hyperpyrexia; Pharmacogenic myopathy; RYR1-Related Malignant Hyperthermia Susceptibility; Malignant hyperthermia suceptibility 1. Identifiers: Orphanet 423, MedGen C2930980, MONDO:0007783, OMIM 145600.
Central core myopathy (CMYO1A). Also called: CONGENITAL MYOPATHY 1A, AUTOSOMAL DOMINANT, WITH SUSCEPTIBILITY TO MALIGNANT HYPERTHERMIA; Central core disease; Myopathy, central fibrillar. Identifiers: Orphanet 597, MedGen C5830701, MONDO:0007294, OMIM 117000.

gnomAD v4.1: 1 of 1,562,022 alleles (0.000064%); highest among the groups gnomAD compares: Non-Finnish European, 0.000087%; no homozygotes.

Submissions (2):

Color Diagnostics, LLC DBA Color Health
Classification: Uncertain significance for Malignant hyperthermia, susceptibility to, 1. Last evaluated: 2025-07-03. Review status: criteria provided, single submitter. Criteria: ACMG Guidelines, 2015. Collection method: clinical testing. Allele origin: germline.
Comment: This missense variant replaces asparagine with lysine at codon 3211 of the RYR1 protein. Computational prediction is inconclusive regarding the impact of this variant on protein structure and function. To our knowledge, functional studies have not been reported for this variant. This variant has not been identified in the general population by the Genome Aggregation Database (gnomAD). This variant has not been reported in individuals affected with autosomal dominant malignant hyperthermia in the literature, although it is associated with other phenotype(s) (PMID: 32140910). Due to insufficient evidence, this variant is classified as a Variant of Uncertain Significance for autosomal dominant malignant hyperthermia.

Genetic Diseases Diagnostic Center, Koc University Hospital
Classification: Likely pathogenic for Central core myopathy. Last evaluated: 2018-12-18. Review status: criteria provided, single submitter. Criteria: ACMG Guidelines, 2015. Collection method: clinical testing. Allele origin: germline. Inheritance: Autosomal recessive inheritance. Affected: yes.

Literature cited by the submitters: PubMed 32140910 (cited by Color Diagnostics, LLC DBA Color Health).